The following is an entry in ClinVar:

NM_002087.4(GRN):c.-8+13C>A

Gene: GRN (granulin precursor; plus strand). Cytogenetic location: 17q21.31.
Variant type: single nucleotide variant.
Coding change: c.-8+13C>A on transcript NM_002087.4 (MANE Select); 13 bases into the intron after 8 bases upstream of the start codon, C replaced by A.
Molecular consequence: intron variant.
Genome position (GRCh38, 1-based): chr17:44,345,347, C>A. VCF-style: chr17-44345347-C-A. GRCh37 (hg19) VCF-style: chr17-42422715-C-A.
Identifiers: ClinVar variation 3046828 (VCV003046828.2), dbSNP rs1001032652, ClinGen allele CA290920950.

ClinVar aggregate classification (germline): Likely benign (0 of 4 stars; one submission).

Conditions:
GRN-related disorder. Also called: GRN-related disorders; GRN-related condition.

Submission:

PreventionGenetics, part of Exact Sciences
Classification: Likely benign for GRN-related condition. Last evaluated: 2019-04-15. Review status: no assertion criteria provided. Collection method: clinical testing. Allele origin: germline.
Comment: This variant is classified as likely benign based on ACMG/AMP sequence variant interpretation guidelines (Richards et al. 2015 PMID: 25741868, with internal and published modifications).